The following is an entry in ClinVar:

NM_020631.6(PLEKHG5):c.1392G>A (p.Thr464=)

Gene: PLEKHG5 (pleckstrin homology and RhoGEF domain containing G5; minus strand). Cytogenetic location: 1p36.31.
Variant type: single nucleotide variant.
Coding change: c.1392G>A on transcript NM_020631.6 (MANE Select); coding-DNA position 1392, G replaced by A.
Protein change: p.Thr464=; no amino-acid change (threonine 464 retained).
Molecular consequence: synonymous variant.
Genome position (GRCh38, 1-based): chr1:6,470,990, C>T on the plus strand (G>A on the coding strand, the complement: PLEKHG5 is on the minus strand). VCF-style: chr1-6470990-C-T. GRCh37 (hg19) VCF-style: chr1-6531050-C-T.
Other names: c.1503G>A, p.Thr501= (NM_001042663.3, NM_001265592.2); c.1392G>A, p.Thr464= (NM_001042664.2, NM_001042665.2, NM_001265594.3 and 1 more transcripts); c.1599G>A, p.Thr533= (NM_001265593.2).
Identifiers: ClinVar variation 452587 (VCV000452587.7), dbSNP rs1412619450, ClinGen allele CA416022906.

ClinVar aggregate classification (germline): Uncertain significance. Review status: criteria provided, multiple submitters, no conflicts (2 of 4 stars). 3 submissions from 3 submitters: Uncertain significance (3). Last evaluated 2021-07-30.

Conditions:
Neuronopathy, distal hereditary motor, autosomal recessive 4. Also called: Autosomal recessive lower motor neuron disease with childhood onset; NEUROPATHY, DISTAL HEREDITARY MOTOR, AUTOSOMAL RECESSIVE 4. Identifiers: Orphanet 206580, MedGen C1970211, MONDO:0012608, OMIM 611067.
Charcot-Marie-Tooth disease recessive intermediate C. Also called: CHARCOT-MARIE-TOOTH NEUROPATHY, RECESSIVE INTERMEDIATE C. Identifiers: Orphanet 369867, MedGen C3809309, MONDO:0014154, OMIM 615376.
Inborn genetic diseases. Identifiers: MedGen C0950123, MeSH D030342.

Allele frequency attached by ClinVar (database versions not stated): gnomAD exomes below 0.00001; gnomAD 0.00001; TOPMed 0.00001.

Submissions (3):

Labcorp Genetics (formerly Invitae), Labcorp
Classification: Uncertain significance for Neuronopathy, distal hereditary motor, autosomal recessive 4; Charcot-Marie-Tooth disease recessive intermediate C. Last evaluated: 2021-07-30. Review status: criteria provided, single submitter. Criteria: Invitae Variant Classification Sherloc (09022015). Collection method: clinical testing. Allele origin: germline.
Comment: This sequence change affects codon 464 of the PLEKHG5 mRNA. It is a 'silent' change, meaning that it does not change the encoded amino acid sequence of the PLEKHG5 protein. This variant also falls at the last nucleotide of exon 13, which is part of the consensus splice site for this exon. This variant is not present in population databases (ExAC no frequency). This variant has not been reported in the literature in individuals with PLEKHG5-related conditions. ClinVar contains an entry for this variant (Variation ID: 452587). Nucleotide substitutions within the consensus splice site are a relatively common cause of aberrant splicing (PMID: 17576681, 9536098). Algorithms developed to predict the effect of sequence changes on RNA splicing suggest that this variant may disrupt the consensus splice site, but this prediction has not been confirmed by published transcriptional studies. In summary, the available evidence is currently insufficient to determine the role of this variant in disease. Therefore, it has been classified as a Variant of Uncertain Significance.

Ambry Genetics
Classification: Uncertain significance for Inborn genetic diseases. Last evaluated: 2020-10-30. Review status: criteria provided, single submitter. Criteria: Ambry Variant Classification Scheme 2023. Collection method: clinical testing. Allele origin: germline.
Comment: The c.1392G>A variant (also known as p.T464T) is located in coding exon 12 of the PLEKHG5 gene. This variant results from a G to A substitution at nucleotide position 1392. This nucleotide substitution does not change the threonine at codon 464. However, this change occurs in the last base pair of coding exon 12, which makes it likely to have some effect on normal mRNA splicing. This nucleotide position is highly conserved in available vertebrate species. In silico splice site analysis predicts that this alteration will not have any significant effect on splicing. Since supporting evidence is limited at this time, the clinical significance of this alteration remains unclear.

GeneDx
Classification: Uncertain significance. Last evaluated: 2017-11-02. Review status: criteria provided, single submitter. Criteria: GeneDx Variant Classification (06012015). Collection method: clinical testing. Allele origin: germline. Affected: yes.
Comment: A variant of uncertain significance has been identified in the the PLEKHG5 gene. The c.1392 G>A variant has not been published as a pathogenic variant, nor has it been reported as a benign variant to our knowledge. This variant isnot observed in large population cohorts (Lek et al., 2016). Several in-silico splice prediction models predict that c.1392 G>A damages or destroys the natural splice donor site in exon 13, which may lead to abnormal gene splicing.However, in the absence of RNA/functional studies, the actual effect of this sequence change in this individual is unknown. Additionally, splice site variants have not been reported in the Human Gene Mutation Database inassociation with PLEKHG5-related disorders (Stenson et al., 2014). Therefore, based on the currently available information, it is unclear whether this variant is a pathogenic variant or a rare benign variant.

Literature cited by the submitters: PubMed 17576681 (cited by Labcorp Genetics (formerly Invitae), Labcorp); PubMed 9536098 (cited by Labcorp Genetics (formerly Invitae), Labcorp).